The following is an entry in ClinVar:

ClinVar aggregate classification (germline): Uncertain significance (1 of 4 stars; one submission).

Conditions:
HCN1-related disorder. Also called: HCN1-related condition; HCN1-related disorders.

Submission:

PreventionGenetics, part of Exact Sciences
Classification: Uncertain significance for HCN1-related condition. Last evaluated: 2025-09-05. Review status: criteria provided, single submitter. Criteria: ACMG Guidelines, 2015. Collection method: clinical testing. Allele origin: germline.
Comment: The HCN1 c.1011+1G>C variant is predicted to disrupt the GT donor site and interfere with normal splicing. To our knowledge, this variant has not been reported in the literature or in a large population database (gnomAD), indicating this variant is rare. Loss of function has not been conclusively established as a mechanism for HCN1-related disorders. At this time, the clinical significance of this variant is uncertain due to the absence of conclusive functional and genetic evidence.

NM_021072.4(HCN1):c.1011+1G>C

Gene: HCN1 (hyperpolarization activated cyclic nucleotide gated potassium channel 1; minus strand). Cytogenetic location: 5p12.
Variant type: single nucleotide variant.
Coding change: c.1011+1G>C on transcript NM_021072.4 (MANE Select); the canonical splice donor site of the intron after coding-DNA position 1011, G replaced by C.
Molecular consequence: splice donor variant.
Genome position (GRCh38, 1-based): chr5:45,461,845, C>G on the plus strand (G>C on the coding strand, the complement: HCN1 is on the minus strand). VCF-style: chr5-45461845-C-G. GRCh37 (hg19) VCF-style: chr5-45461947-C-G.
Identifiers: ClinVar variation 4998807 (VCV004998807.1).
Genomic context (GRCh38, chr5:45,461,845, plus strand): 5'-ACTTAAAAGGTTTTGGCACAACGTTGAAAAGTCAGAGTGTAAAATAACAGAATTTACTTA[C>G]AACCATTTCATTTAAAGACACCCAGCAATCTGGTGGGAAGTCCTGCAGTAGTGGTACTAA-3'